The following is an entry in ClinVar:

NM_000399.5(EGR2):c.922G>A (p.Ala308Thr)

Gene: EGR2 (early growth response 2; minus strand). Cytogenetic location: 10q21.3.
Variant type: single nucleotide variant.
Coding change: c.922G>A on transcript NM_000399.5 (MANE Select); coding-DNA position 922, G replaced by A.
Protein change: p.Ala308Thr; replaces alanine 308 with threonine.
Molecular consequence: missense variant.
Genome position (GRCh38, 1-based): chr10:62,813,716, C>T on the plus strand (G>A on the coding strand, the complement: EGR2 is on the minus strand). VCF-style: chr10-62813716-C-T. GRCh37 (hg19) VCF-style: chr10-64573476-C-T.
Other names: c.922G>A, p.Ala308Thr (NM_001136177.3, NM_001136178.2); c.772G>A, p.Ala258Thr (NM_001136179.3, NM_001321037.2); short protein forms A308T, A258T.
Identifiers: ClinVar variation 955423 (VCV000955423.10), dbSNP rs766458625, ClinGen allele CA5517199.
Genomic context (GRCh38, chr10:62,813,716, plus strand): 5'-TGGGGTACTTGCGAGGCCTCAGAATGGGCCGCAGTGGCAGGTGGTGTGGGTTATAGGCGG[C>T]GGCGGCGGCGGCTGCTGCTGCTGCTGAGCTGCTACCAGGCAGCCGGGGTCCCTCGCTGCC-3'
Protein context (NP_000390.2, residues 298-318): SSAAAAAAAA[Ala308Thr]AYNPHHLPLR

ClinVar aggregate classification (germline): Uncertain significance. Review status: criteria provided, multiple submitters, no conflicts (2 of 4 stars). 2 submissions from 2 submitters: Uncertain significance (2). Last evaluated 2024-12-04.

Conditions:
Inborn genetic diseases. Identifiers: MedGen C0950123, MeSH D030342.
Charcot-Marie-Tooth disease, type I (CMT1). Also called: Charcot-Marie-Tooth disease type 1; Charcot-Marie-Tooth, Type 1. Identifiers: Orphanet 65753, MedGen C0751036, MONDO:0019011.

Allele frequency attached by ClinVar (database versions not stated): gnomAD 0.00001; gnomAD exomes 0.00001; TOPMed 0.00001; ExAC 0.00002.
gnomAD v4.1: 6 of 1,610,732 alleles (0.00037%); highest among the groups gnomAD compares: Non-Finnish European, 0.00034%; no homozygotes.

Submissions (2):

Ambry Genetics
Classification: Uncertain significance for Inborn genetic diseases. Last evaluated: 2024-12-04. Review status: criteria provided, single submitter. Criteria: Ambry Variant Classification Scheme 2023. Collection method: clinical testing. Allele origin: germline.

Labcorp Genetics (formerly Invitae), Labcorp
Classification: Uncertain significance for Charcot-Marie-Tooth disease, type I. Last evaluated: 2023-11-17. Review status: criteria provided, single submitter. Criteria: Invitae Variant Classification Sherloc (09022015). Collection method: clinical testing. Allele origin: germline.
Comment: This sequence change replaces alanine, which is neutral and non-polar, with threonine, which is neutral and polar, at codon 308 of the EGR2 protein (p.Ala308Thr). This variant is present in population databases (rs766458625, gnomAD 0.01%). This variant has not been reported in the literature in individuals affected with EGR2-related conditions. ClinVar contains an entry for this variant (Variation ID: 955423). Advanced modeling of protein sequence and biophysical properties (such as structural, functional, and spatial information, amino acid conservation, physicochemical variation, residue mobility, and thermodynamic stability) performed at Invitae indicates that this missense variant is not expected to disrupt EGR2 protein function with a negative predictive value of 80%. In summary, the available evidence is currently insufficient to determine the role of this variant in disease. Therefore, it has been classified as a Variant of Uncertain Significance.